The following is an entry in ClinVar:

NM_001113378.2(FANCI):c.2678A>C (p.Glu893Ala)

Gene: FANCI (FA complementation group I; plus strand). Cytogenetic location: 15q26.1.
Variant type: single nucleotide variant.
Coding change: c.2678A>C on transcript NM_001113378.2 (MANE Select); coding-DNA position 2678, A replaced by C.
Protein change: p.Glu893Ala; replaces glutamic acid 893 with alanine.
Molecular consequence: missense variant.
Genome position (GRCh38, 1-based): chr15:89,299,841, A>C. VCF-style: chr15-89299841-A-C. GRCh37 (hg19) VCF-style: chr15-89843072-A-C.
Other names: c.2399A>C, p.Glu800Ala (NM_001376910.1); c.2678A>C, p.Glu893Ala (NM_001376911.1); c.2498A>C, p.Glu833Ala (NM_018193.3); short protein forms E800A, E833A, E893A.
Identifiers: ClinVar variation 2154577 (VCV002154577.4), dbSNP rs1333803894, ClinGen allele CA393736624.

ClinVar aggregate classification (germline): Uncertain significance (1 of 4 stars; one submission).

Conditions:
Fanconi anemia (FA). Also called: Fanconi's anemia. Identifiers: Orphanet 84, MedGen C0015625, MeSH D005199, MONDO:0019391.

Allele frequency attached by ClinVar (database versions not stated): gnomAD exomes below 0.00001.
gnomAD v4.1: 2 of 1,613,992 alleles (0.00012%); highest among the groups gnomAD compares: East Asian, 0.0022%; no homozygotes.

Submission:

Labcorp Genetics (formerly Invitae), Labcorp
Classification: Uncertain significance for Fanconi anemia. Last evaluated: 2022-04-24. Review status: criteria provided, single submitter. Criteria: Invitae Variant Classification Sherloc (09022015). Collection method: clinical testing. Allele origin: germline.
Comment: In summary, the available evidence is currently insufficient to determine the role of this variant in disease. Therefore, it has been classified as a Variant of Uncertain Significance. Algorithms developed to predict the effect of missense changes on protein structure and function are either unavailable or do not agree on the potential impact of this missense change (SIFT: "Tolerated"; PolyPhen-2: "Probably Damaging"; Align-GVGD: "Class C0"). This variant has not been reported in the literature in individuals affected with FANCI-related conditions. This variant is present in population databases (no rsID available, gnomAD 0.006%). This sequence change replaces glutamic acid, which is acidic and polar, with alanine, which is neutral and non-polar, at codon 893 of the FANCI protein (p.Glu893Ala).